The following is an entry in ClinVar:

ClinVar aggregate classification (germline): Benign/Likely benign. Review status: criteria provided, multiple submitters, no conflicts (2 of 4 stars). 3 submissions from 3 submitters: Benign (2); Likely benign (1). Last evaluated 2018-06-14.

Conditions:
Maturity-onset diabetes of the young (MODY). Also called: Maturity onset diabetes mellitus in young. Identifiers: Orphanet 552, MedGen C0342276, MONDO:0018911, HP:0004904.

Allele frequency attached by ClinVar (database versions not stated): 1000 Genomes Project 0.01498; 1000 Genomes Project 30x 0.01546; ExAC 0.03411; TOPMed 0.03421; gnomAD exomes 0.03443 and 0.05286; gnomAD 0.03591 and 0.03716; ESP Exome Variant Server 0.04283.
gnomAD v4.1: 82,365 of 1,613,338 alleles (5.1%); highest among the groups gnomAD compares: Non-Finnish European, 6.2%; 2,513 homozygotes.

Submissions (3):

GeneDx
Classification: Benign. Last evaluated: 2018-06-14. Review status: criteria provided, single submitter. Criteria: GeneDx Variant Classification (06012015). Collection method: clinical testing. Allele origin: germline. Affected: yes.
Comment: This variant is considered likely benign or benign based on one or more of the following criteria: it is a conservative change, it occurs at a poorly conserved position in the protein, it is predicted to be benign by multiple in silico algorithms, and/or has population frequency not consistent with disease.

Breakthrough Genomics
Classification: Benign. Review status: criteria provided, single submitter. Criteria: ACMG Guidelines, 2015. Collection method: not provided. Allele origin: germline. Inheritance: Autosomal dominant inheritance. Affected: yes.

Clinical Genomics, Uppaluri K&H Personalized Medicine Clinic
Classification: Likely benign for Maturity-onset diabetes of the young. Review status: criteria provided, single submitter. Criteria: K & H Uppaluri Personalized Medicine Clinic Variant Classification & Assertion Criteria_Updated V.1. Collection method: research. Allele origin: unknown. Inheritance: Autosomal dominant inheritance.
Comment: Potent mutations in HNF4A are associated with poor insulin secretion in response to hyperglycemia. Associated with MODY1. Patients initially respond well to sulfonylureas but eventually become insulin dependent. However, more evidence is required to ascertain the role of this particular variant rs113725562 in MODY, yet.

Literature cited by the submitters: DOI 10.1159/000334532 (cited by Clinical Genomics, Uppaluri K&H Personalized Medicine Clinic); PubMed 18268044 (cited by Clinical Genomics, Uppaluri K&H Personalized Medicine Clinic); PubMed 17563455 (cited by Clinical Genomics, Uppaluri K&H Personalized Medicine Clinic); PubMed 32583173 (cited by Clinical Genomics, Uppaluri K&H Personalized Medicine Clinic); PubMed 35052457 (cited by Clinical Genomics, Uppaluri K&H Personalized Medicine Clinic); PubMed 35118593 (cited by Clinical Genomics, Uppaluri K&H Personalized Medicine Clinic).

NM_175914.5(HNF4A):c.50-4538G>A

Gene: HNF4A (hepatocyte nuclear factor 4 alpha; plus strand). Cytogenetic location: 20q13.12.
Variant type: single nucleotide variant.
Coding change: c.50-4538G>A on transcript NM_175914.5 (MANE Select); 4538 bases into the intron before coding-DNA position 50, G replaced by A.
Molecular consequence: intron variant.
Genome position (GRCh38, 1-based): chr20:44,401,520, G>A. VCF-style: chr20-44401520-G-A. GRCh37 (hg19) VCF-style: chr20-43030160-G-A.
Other names: c.41-4538G>A (NM_001287182.2, NM_001287183.2, NM_001287184.2); c.50-4538G>A (NM_001030003.3, NM_001030004.3); c.3+33G>A (NM_001258355.2); c.115+33G>A (NM_178849.3, NM_000457.6, NM_178850.3).
Identifiers: ClinVar variation 674361 (VCV000674361.3), dbSNP rs113725562, ClinGen allele CA9870096.